The following is an entry in ClinVar:

ClinVar aggregate classification (germline): Uncertain significance (1 of 4 stars; one submission).

Submission:

Labcorp Genetics (formerly Invitae), Labcorp
Classification: Uncertain significance. Last evaluated: 2022-07-05. Review status: criteria provided, single submitter. Criteria: Invitae Variant Classification Sherloc (09022015). Collection method: clinical testing. Allele origin: germline.
Comment: In summary, the available evidence is currently insufficient to determine the role of this variant in disease. Therefore, it has been classified as a Variant of Uncertain Significance. Algorithms developed to predict the effect of missense changes on protein structure and function output the following: SIFT: "Not Available"; PolyPhen-2: "Benign"; Align-GVGD: "Not Available". The aspartic acid amino acid residue is found in multiple mammalian species, which suggests that this missense change does not adversely affect protein function. This variant has not been reported in the literature in individuals affected with MYO18B-related conditions. This variant is not present in population databases (gnomAD no frequency). This sequence change replaces glutamic acid with aspartic acid at codon 1125 of the MYO18B protein (p.Glu1125Asp). The glutamic acid residue is weakly conserved and there is a small physicochemical difference between glutamic acid and aspartic acid.

NM_032608.7(MYO18B):c.3375G>C (p.Glu1125Asp)

Gene: MYO18B (myosin XVIIIB; plus strand). Cytogenetic location: 22q12.1.
Variant type: single nucleotide variant.
Coding change: c.3375G>C on transcript NM_032608.7 (MANE Select); coding-DNA position 3375, G replaced by C.
Protein change: p.Glu1125Asp; replaces glutamic acid 1125 with aspartic acid.
Molecular consequence: missense variant.
Genome position (GRCh38, 1-based): chr22:25,846,106, G>C. VCF-style: chr22-25846106-G-C. GRCh37 (hg19) VCF-style: chr22-26242073-G-C.
Other names: c.3378G>C, p.Glu1126Asp (NM_001318245.2); short protein forms E1126D, E1125D.
Identifiers: ClinVar variation 1958820 (VCV001958820.5), dbSNP rs2517582131, ClinGen allele CA410999102.